The following is an entry in ClinVar:

NM_017739.4(POMGNT1):c.304G>A (p.Glu102Lys)

Gene: POMGNT1 (protein O-linked mannose N-acetylglucosaminyltransferase 1 (beta 1,2-); minus strand). Cytogenetic location: 1p34.1.
Variant type: single nucleotide variant.
Coding change: c.304G>A on transcript NM_017739.4 (MANE Select); coding-DNA position 304, G replaced by A.
Protein change: p.Glu102Lys; replaces glutamic acid 102 with lysine.
Molecular consequence: missense variant. On other transcripts: 5 prime UTR variant (1).
Genome position (GRCh38, 1-based): chr1:46,196,781, C>T on the plus strand (G>A on the coding strand, the complement: POMGNT1 is on the minus strand). VCF-style: chr1-46196781-C-T. GRCh37 (hg19) VCF-style: chr1-46662453-C-T.
Other names: c.304G>A, p.Glu102Lys (NM_001243766.2, NM_001410783.1); c.238G>A, p.Glu80Lys (NM_001290129.3); c.-126G>A (NM_001290130.2); short protein forms E102K, E80K.
Identifiers: ClinVar variation 1015759 (VCV001015759.6), dbSNP rs749603354, ClinGen allele CA833791.

ClinVar aggregate classification (germline): Uncertain significance (1 of 4 stars; one submission).

Conditions:
Autosomal recessive limb-girdle muscular dystrophy type 2O. Also called: Limb-Girdle Muscular Dystrophy Type 3C; MUSCULAR DYSTROPHY-DYSTROGLYCANOPATHY (LIMB-GIRDLE), TYPE C, 3; MUSCULAR DYSTROPHY-DYSTROGLYCANOPATHY, LIMB-GIRDLE, POMGNT1-RELATED. Identifiers: Orphanet 206564, MedGen C3150417, MONDO:0013161, OMIM 613157.
Muscular dystrophy-dystroglycanopathy (congenital with impaired intellectual development), type B, 3. Also called: MUSCULAR DYSTROPHY, CONGENITAL, POMGNT1-RELATED; Muscular dystrophy-dystroglycanopathy (congenital with intellectual disability), type B3. Identifiers: MedGen C3150412, MONDO:0013155, OMIM 613151.

Allele frequency attached by ClinVar (database versions not stated): TOPMed below 0.00001; ExAC 0.00001; gnomAD 0.00001; gnomAD exomes 0.00005 and 0.00001.
gnomAD v4.1: 79 of 1,614,104 alleles (0.0049%); highest among the groups gnomAD compares: Non-Finnish European, 0.0066%; no homozygotes.

Submission:

Labcorp Genetics (formerly Invitae), Labcorp
Classification: Uncertain significance for Autosomal recessive limb-girdle muscular dystrophy type 2O; Muscular dystrophy-dystroglycanopathy (congenital with impaired intellectual development), type B, 3. Last evaluated: 2021-08-30. Review status: criteria provided, single submitter. Criteria: Invitae Variant Classification Sherloc (09022015). Collection method: clinical testing. Allele origin: germline.
Comment: This sequence change replaces glutamic acid with lysine at codon 102 of the POMGNT1 protein (p.Glu102Lys). The glutamic acid residue is highly conserved and there is a small physicochemical difference between glutamic acid and lysine. This variant is present in population databases (rs749603354, ExAC 0.001%). This variant has not been reported in the literature in individuals affected with POMGNT1-related conditions. Advanced modeling of protein sequence and biophysical properties (such as structural, functional, and spatial information, amino acid conservation, physicochemical variation, residue mobility, and thermodynamic stability) performed at Invitae indicates that this missense variant is not expected to disrupt POMGNT1 protein function. In summary, the available evidence is currently insufficient to determine the role of this variant in disease. Therefore, it has been classified as a Variant of Uncertain Significance.